The following is an entry in ClinVar:

NM_001142800.2(EYS):c.6382T>C (p.Cys2128Arg)

Gene: EYS (EGF-like photoreceptor maintenance factor; minus strand). Cytogenetic location: 6q12.
Variant type: single nucleotide variant.
Coding change: c.6382T>C on transcript NM_001142800.2 (MANE Select); coding-DNA position 6382, T replaced by C.
Protein change: p.Cys2128Arg; replaces cysteine 2128 with arginine.
Molecular consequence: missense variant.
Genome position (GRCh38, 1-based): chr6:64,230,634, A>G on the plus strand (T>C on the coding strand, the complement: EYS is on the minus strand). VCF-style: chr6-64230634-A-G. GRCh37 (hg19) VCF-style: chr6-64940527-A-G.
Other names: c.6382T>C, p.Cys2128Arg (NM_001292009.2); short protein forms C2128R.
Identifiers: ClinVar variation 1943612 (VCV001943612.4), dbSNP rs1442903470, ClinGen allele CA364391227.

ClinVar aggregate classification (germline): Uncertain significance. Review status: criteria provided, multiple submitters, no conflicts (2 of 4 stars). 2 submissions from 2 submitters: Uncertain significance (2). Last evaluated 2025-08-26.

Conditions:
Retinal dystrophy. Also called: Inherited retinal dystrophy. Identifiers: Orphanet 71862, MedGen C0854723, MeSH D058499, MONDO:0019118, HP:0000556.

Allele frequency attached by ClinVar (database versions not stated): TOPMed below 0.00001.

Submissions (2):

Labcorp Genetics (formerly Invitae), Labcorp
Classification: Uncertain significance. Last evaluated: 2025-08-26. Review status: criteria provided, single submitter. Criteria: Invitae Variant Classification Sherloc (09022015). Collection method: clinical testing. Allele origin: germline.
Comment: This sequence change replaces cysteine, which is neutral and slightly polar, with arginine, which is basic and polar, at codon 2128 of the EYS protein (p.Cys2128Arg). This variant is not present in population databases (gnomAD no frequency). This variant has not been reported in the literature in individuals affected with EYS-related conditions. ClinVar contains an entry for this variant (Variation ID: 1943612). Invitae Evidence Modeling of protein sequence and biophysical properties (such as structural, functional, and spatial information, amino acid conservation, physicochemical variation, residue mobility, and thermodynamic stability) indicates that this missense variant is expected to disrupt EYS protein function with a positive predictive value of 80%. In summary, the available evidence is currently insufficient to determine the role of this variant in disease. Therefore, it has been classified as a Variant of Uncertain Significance.

Dept Of Ophthalmology, Nagoya University
Classification: Uncertain significance for Retinal dystrophy. Last evaluated: 2023-10-01. Review status: criteria provided, single submitter. Criteria: Submitter's publication. Collection method: research. Allele origin: germline. Affected: yes.